The following is an entry in ClinVar:

ClinVar aggregate classification (germline): Uncertain significance. Review status: criteria provided, multiple submitters, no conflicts (2 of 4 stars). 3 submissions from 3 submitters: Uncertain significance (3). Last evaluated 2025-11-17.

Conditions:
RASopathy. Also called: Noonan spectrum disorder; rasopathies. Identifiers: Orphanet 536391, MedGen C5555857, MONDO:0021060.
CBL-related disorder. Also called: NOONAN SYNDROME-LIKE DISORDER WITHOUT JUVENILE MYELOMONOCYTIC LEUKEMIA; CBL MUTATION-ASSOCIATED SYNDROME; CBL SYNDROME. Identifiers: Orphanet 363972, MedGen C3150803, MONDO:0013308, OMIM 613563.

Allele frequency attached by ClinVar (database versions not stated): gnomAD exomes below 0.00001; ExAC 0.00001.

Submissions (3):

Clinical Genomics Laboratory, Washington University in St. Louis
Classification: Uncertain significance for CBL-related disorder. Last evaluated: 2025-11-17. Review status: criteria provided, single submitter. Criteria: ACMG Guidelines, 2015. Collection method: clinical testing. Allele origin: germline.
Comment: The CBL c.467T>G (p.Leu156Arg) variant, to our knowledge, has not been reported in the medical literature but has been reported in the ClinVar database as a germline variant of uncertain significance by two submitters. This variant is only observed in 2/1,614,044 alleles in the general population (gnomAD v4.1.0), indicating it is not a common variant. This variant resides outside the typical RING and linker domains (amino acids 352-420), where the majority of reported pathogenic variants are located (Martinelli S et al., PMID: 20619386). Computational predictors indicate that the variant is damaging, evidence that correlates with impact to CBL function. Due to limited information, and based on ACMG/AMP guidelines for variant interpretation (Richards S et al., PMID: 25741868), the clinical significance of this variant is uncertain at this time.

Labcorp Genetics (formerly Invitae), Labcorp
Classification: Uncertain significance for RASopathy. Last evaluated: 2025-01-23. Review status: criteria provided, single submitter. Criteria: Invitae Variant Classification Sherloc (09022015). Collection method: clinical testing. Allele origin: germline.
Comment: This sequence change replaces leucine, which is neutral and non-polar, with arginine, which is basic and polar, at codon 156 of the CBL protein (p.Leu156Arg). This variant is present in population databases (rs759473597, gnomAD 0.0009%). This variant has not been reported in the literature in individuals affected with CBL-related conditions. ClinVar contains an entry for this variant (Variation ID: 1306229). Invitae Evidence Modeling of protein sequence and biophysical properties (such as structural, functional, and spatial information, amino acid conservation, physicochemical variation, residue mobility, and thermodynamic stability) has been performed for this missense variant. However, the output from this modeling did not meet the statistical confidence thresholds required to predict the impact of this variant on CBL protein function. In summary, the available evidence is currently insufficient to determine the role of this variant in disease. Therefore, it has been classified as a Variant of Uncertain Significance.

GeneDx
Classification: Uncertain significance. Last evaluated: 2021-02-09. Review status: criteria provided, single submitter. Criteria: GeneDx Variant Classification Process June 2021. Collection method: clinical testing. Allele origin: germline. Affected: yes.
Comment: In silico analysis, which includes protein predictors and evolutionary conservation, supports a deleterious effect; Has not been previously published as pathogenic or benign to our knowledge

NM_005188.4(CBL):c.467T>G (p.Leu156Arg)

Gene: CBL (Cbl proto-oncogene; plus strand). Cytogenetic location: 11q23.3.
Variant type: single nucleotide variant.
Coding change: c.467T>G on transcript NM_005188.4 (MANE Select); coding-DNA position 467, T replaced by G.
Protein change: p.Leu156Arg; replaces leucine 156 with arginine.
Molecular consequence: missense variant.
Genome position (GRCh38, 1-based): chr11:119,271,758, T>G. VCF-style: chr11-119271758-T-G. GRCh37 (hg19) VCF-style: chr11-119142468-T-G.
Other names: short protein forms L156R.
Identifiers: ClinVar variation 1306229 (VCV001306229.5), dbSNP rs759473597, ClinGen allele CA6318278.